The following is an entry in ClinVar:

NM_005045.4(RELN):c.1173T>G (p.Ile391Met)

Gene: RELN (reelin; minus strand). Cytogenetic location: 7q22.1.
Variant type: single nucleotide variant.
Coding change: c.1173T>G on transcript NM_005045.4 (MANE Select); coding-DNA position 1173, T replaced by G.
Protein change: p.Ile391Met; replaces isoleucine 391 with methionine.
Molecular consequence: missense variant.
Genome position (GRCh38, 1-based): chr7:103,682,232, A>C on the plus strand (T>G on the coding strand, the complement: RELN is on the minus strand). VCF-style: chr7-103682232-A-C. GRCh37 (hg19) VCF-style: chr7-103322679-A-C.
Other names: c.1173T>G, p.Ile391Met (NM_173054.3); short protein forms I391M.
Identifiers: ClinVar variation 1361242 (VCV001361242.8), dbSNP rs2115696262, ClinGen allele CA368926624.

ClinVar aggregate classification (germline): Uncertain significance (1 of 4 stars; one submission).

Conditions:
Norman-Roberts syndrome (LIS2). Also called: Lissencephaly 2 (Norman-Roberts type). Identifiers: Orphanet 89844, MedGen C0796089, MONDO:0009760, OMIM 257320.
Familial temporal lobe epilepsy 7. Identifiers: Orphanet 101046, MedGen C4225327, MONDO:0014639, OMIM 616436.

Submission:

Labcorp Genetics (formerly Invitae), Labcorp
Classification: Uncertain significance for Familial temporal lobe epilepsy 7; Norman-Roberts syndrome. Last evaluated: 2022-11-08. Review status: criteria provided, single submitter. Criteria: Invitae Variant Classification Sherloc (09022015). Collection method: clinical testing. Allele origin: germline.
Comment: In summary, the available evidence is currently insufficient to determine the role of this variant in disease. Therefore, it has been classified as a Variant of Uncertain Significance. Advanced modeling of protein sequence and biophysical properties (such as structural, functional, and spatial information, amino acid conservation, physicochemical variation, residue mobility, and thermodynamic stability) performed at Invitae indicates that this missense variant is not expected to disrupt RELN protein function. ClinVar contains an entry for this variant (Variation ID: 1361242). This variant has not been reported in the literature in individuals affected with RELN-related conditions. This variant is not present in population databases (gnomAD no frequency). This sequence change replaces isoleucine, which is neutral and non-polar, with methionine, which is neutral and non-polar, at codon 391 of the RELN protein (p.Ile391Met).